The following is an entry in ClinVar:

NM_182961.4(SYNE1):c.6185G>T (p.Arg2062Leu)

Gene: SYNE1 (spectrin repeat containing nuclear envelope protein 1; minus strand). Cytogenetic location: 6q25.2.
Variant type: single nucleotide variant.
Coding change: c.6185G>T on transcript NM_182961.4 (MANE Select); coding-DNA position 6185, G replaced by T.
Protein change: p.Arg2062Leu; replaces arginine 2062 with leucine.
Molecular consequence: missense variant.
Genome position (GRCh38, 1-based): chr6:152,413,397, C>A on the plus strand (G>T on the coding strand, the complement: SYNE1 is on the minus strand). VCF-style: chr6-152413397-C-A. GRCh37 (hg19) VCF-style: chr6-152734532-C-A.
Other names: c.6206G>T, p.Arg2069Leu (NM_033071.5); short protein forms R2062L, R2069L.
Identifiers: ClinVar variation 471053 (VCV000471053.1), dbSNP rs542032376, ClinGen allele CA366129127.
Genomic context (GRCh38, chr6:152,413,397, plus strand): 5'-TGGGTTTTGACTTACTTTTCATGAATTAGTCTTTTGGTATCATCCCAGGTGACCTCTAAG[C>A]GGTTTATCTCCCTGTCAACTTCAGGTGCAAAAGCTACATCTTTCTGGGCAATTTGCTTGG-3'
Protein context (NP_892006.3, residues 2052-2072): FAPEVDREIN[Arg2062Leu]LEVTWDDTKR

ClinVar aggregate classification (germline): Uncertain significance (1 of 4 stars; one submission).

Conditions:
Emery-Dreifuss muscular dystrophy 4, autosomal dominant (EDMD4). Also called: EMERY-DREIFUSS MUSCULAR DYSTROPHY 4 WITH VARIABLE FEATURES. Identifiers: Orphanet 261, MedGen C2751807, MONDO:0013071, OMIM 612998.
Autosomal recessive ataxia, Beauce type. Also called: SYNE1-Related Autosomal Recessive Cerebellar Ataxia; Spinocerebellar ataxia, autosomal recessive 8; ATAXIA, RECESSIVE, OF BEAUCE; SYNE1 Deficiency. Identifiers: Orphanet 88644, MedGen C1853116, MONDO:0012549, OMIM 610743.

gnomAD v4.1: 4 of 1,614,126 alleles (0.00025%); highest among the groups gnomAD compares: Non-Finnish European, 0.00034%; no homozygotes.

Submission:

Labcorp Genetics (formerly Invitae), Labcorp
Classification: Uncertain significance for Emery-Dreifuss muscular dystrophy 4, autosomal dominant; Autosomal recessive ataxia, Beauce type. Last evaluated: 2017-06-05. Review status: criteria provided, single submitter. Criteria: Invitae Variant Classification Sherloc (09022015). Collection method: clinical testing. Allele origin: germline.
Comment: This sequence change replaces arginine with leucine at codon 2069 of the SYNE1 protein (p.Arg2069Leu). The arginine residue is highly conserved and there is a moderate physicochemical difference between arginine and leucine. This variant is not present in population databases (ExAC no frequency). This variant has not been reported in the literature in individuals with a SYNE1-related disease. Algorithms developed to predict the effect of missense changes on protein structure and function (SIFT, PolyPhen-2, Align-GVGD) all suggest that this variant is likely to be tolerated, but these predictions have not been confirmed by published functional studies and their clinical significance is uncertain. In summary, this variant has uncertain impact on SYNE1 function. The available evidence is currently insufficient to determine its role in disease. Therefore, it has been classified as a Variant of Uncertain Significance.